The following is an entry in ClinVar:

NM_000334.4(SCN4A):c.1114G>A (p.Gly372Ser)

Gene: SCN4A (sodium voltage-gated channel alpha subunit 4; minus strand). Cytogenetic location: 17q23.3.
Variant type: single nucleotide variant.
Coding change: c.1114G>A on transcript NM_000334.4 (MANE Select); coding-DNA position 1114, G replaced by A.
Protein change: p.Gly372Ser; replaces glycine 372 with serine.
Molecular consequence: missense variant.
Genome position (GRCh38, 1-based): chr17:63,966,230, C>T on the plus strand (G>A on the coding strand, the complement: SCN4A is on the minus strand). VCF-style: chr17-63966230-C-T. GRCh37 (hg19) VCF-style: chr17-62043590-C-T.
Other names: short protein forms G372S.
Identifiers: ClinVar variation 3438234 (VCV003438234.3).
Genomic context (GRCh38, chr17:63,966,230, plus strand): 5'-AGGTGTCATAGCTGGTGTAGCCATAGTTGGGGTTCCGCCCGGTCTTGATGCACTCATAAC[C>T]CTCAGGGCAGTGCCTAGGAATAGGACAGGGGGCTGGGTTTAGGGTGGGAGGAGCACTCCA-3'
Protein context (NP_000325.4, residues 362-382): NSSDAGHCPE[Gly372Ser]YECIKTGRNP

ClinVar aggregate classification (germline): Uncertain significance. Review status: criteria provided, multiple submitters, no conflicts (2 of 4 stars). 2 submissions from 2 submitters: Uncertain significance (2). Last evaluated 2025-11-11.

Conditions:
Hyperkalemic periodic paralysis. Also called: Familial hyperkalemic periodic paralysis; Gamstorp disease. Identifiers: Orphanet 682, MedGen C0238357, MONDO:0008224, OMIM 170500, HP:0007215.
Inborn genetic diseases. Identifiers: MedGen C0950123, MeSH D030342.

gnomAD v4.1: 7 of 1,604,616 alleles (0.00044%); highest among the groups gnomAD compares: Admixed American, 0.0068%; no homozygotes.

Submissions (2):

Labcorp Genetics (formerly Invitae), Labcorp
Classification: Uncertain significance for Hyperkalemic periodic paralysis. Last evaluated: 2025-11-11. Review status: criteria provided, single submitter. Criteria: Invitae Variant Classification Sherloc (09022015). Collection method: clinical testing. Allele origin: germline.
Comment: This sequence change replaces glycine, which is neutral and non-polar, with serine, which is neutral and polar, at codon 372 of the SCN4A protein (p.Gly372Ser). This variant is not present in population databases (gnomAD no frequency). This variant has not been reported in the literature in individuals affected with SCN4A-related conditions. ClinVar contains an entry for this variant (Variation ID: 3438234). Invitae Evidence Modeling of protein sequence and biophysical properties (such as structural, functional, and spatial information, amino acid conservation, physicochemical variation, residue mobility, and thermodynamic stability) has been performed for this missense variant. However, the output from this modeling did not meet the statistical confidence thresholds required to predict the impact of this variant on SCN4A protein function. In summary, the available evidence is currently insufficient to determine the role of this variant in disease. Therefore, it has been classified as a Variant of Uncertain Significance.

Ambry Genetics
Classification: Uncertain significance for Inborn genetic diseases. Last evaluated: 2024-09-01. Review status: criteria provided, single submitter. Criteria: Ambry Variant Classification Scheme 2023. Collection method: clinical testing. Allele origin: germline.